The following is an entry in ClinVar:

NM_001378373.1(MBL2):c.*1913C>T

Gene: MBL2 (mannose binding lectin 2; minus strand). Cytogenetic location: 10q21.1.
Variant type: single nucleotide variant.
Coding change: c.*1913C>T on transcript NM_001378373.1 (MANE Select); 1913 bases downstream of the stop codon, C replaced by T.
Molecular consequence: 3 prime UTR variant.
Genome position (GRCh38, 1-based): chr10:52,766,224, G>A on the plus strand (C>T on the coding strand, the complement: MBL2 is on the minus strand). VCF-style: chr10-52766224-G-A. GRCh37 (hg19) VCF-style: chr10-54525984-G-A.
Other names: c.*1913C>T (NM_000242.3, NM_001378374.1).
Identifiers: ClinVar variation 300117 (VCV000300117.6), dbSNP rs2165813, ClinGen allele CA10631783.

ClinVar aggregate classification (germline): Likely benign. Review status: criteria provided, multiple submitters, no conflicts (2 of 4 stars). 2 submissions from 2 submitters: Likely benign (2). Last evaluated 2018-01-12.

Conditions:
Mannose-binding lectin deficiency. Also called: LECTIN COMPLEMENT ACTIVATION PATHWAY, DEFECT IN, 1; MBP DEFICIENCY; MBL DEFICIENCY; MBL2 DEFICIENCY; Chronic infections, due to MBL deficiency. Identifiers: MedGen C3280586, MONDO:0013714, OMIM 614372.

Allele frequency attached by ClinVar (database versions not stated): 1000 Genomes Project 30x 0.28014; TOPMed 0.28771; gnomAD 0.28952 and 0.28348; 1000 Genomes Project 0.27416.

Submissions (2):

Illumina Laboratory Services, Illumina
Classification: Likely benign for Mannose-binding lectin deficiency. Last evaluated: 2018-01-12. Review status: criteria provided, single submitter. Criteria: ICSL Variant Classification Criteria 13 December 2019. Collection method: clinical testing. Allele origin: germline.
Comment: This variant was observed in the ICSL laboratory as part of a predisposition screen in an ostensibly healthy population. It had not been previously curated by ICSL or reported in the Human Gene Mutation Database (HGMD: prior to June 1st, 2018), and was therefore a candidate for classification through an automated scoring system. Utilizing variant allele frequency, disease prevalence and penetrance estimates, and inheritance mode, an automated score was calculated to assess if this variant is too frequent to cause the disease. Based on the score and internal cut-off values, a variant classified as likely benign is not then subjected to further curation. The score for this variant resulted in a classification of likely benign for this disease.

Breakthrough Genomics
Classification: Likely benign. Review status: criteria provided, single submitter. Criteria: ACMG Guidelines, 2015. Collection method: not provided. Allele origin: germline. Inheritance: Autosomal dominant inheritance. Affected: yes.